The following is an entry in ClinVar:

NM_000392.5(ABCC2):c.232C>T (p.Leu78=)

Gene: ABCC2 (ATP binding cassette subfamily C member 2; plus strand). Cytogenetic location: 10q24.2.
Variant type: single nucleotide variant.
Coding change: c.232C>T on transcript NM_000392.5 (MANE Select); coding-DNA position 232, C replaced by T.
Protein change: p.Leu78=; no amino-acid change (leucine 78 retained).
Molecular consequence: synonymous variant.
Genome position (GRCh38, 1-based): chr10:99,792,258, C>T. VCF-style: chr10-99792258-C-T. GRCh37 (hg19) VCF-style: chr10-101552015-C-T.
Other names: c.232C>T (NM_000392.4); c.232C>T, p.Leu78= (LRG_1208t1).
Identifiers: ClinVar variation 596849 (VCV000596849.10), dbSNP rs764390911, ClinGen allele CA5642822.
Genomic context (GRCh38, chr10:99,792,258, plus strand): 5'-GATATCCTCTTAACAGTGGTCTTTTTCCCTTCTCAGGTATTCGTTGGTTTTCTTCTTATT[C>T]TAGCAGCCATAGAGCTGGCCCTTGTACTCACAGAAGACTCTGGACAAGCCACAGTCCCTG-3'
Protein context (NP_000383.2, residues 68-88): KQVFVGFLLI[Leu78=]AAIELALVLT

ClinVar aggregate classification (germline): Conflicting classifications of pathogenicity. Review status: criteria provided, conflicting classifications (1 of 4 stars). 3 submissions from 3 submitters: Uncertain significance (1); Likely benign (1). 1 of the submissions does not count toward it. Last evaluated 2025-11-09.

Conditions:
ABCC2-related disorder. Also called: ABCC2-related condition.

Allele frequency attached by ClinVar (database versions not stated): gnomAD 0.00004 and 0.00005; ExAC 0.00008; gnomAD exomes 0.00004 and 0.00009; TOPMed 0.00006.
gnomAD v4.1: 76 of 1,613,948 alleles (0.0047%); highest among the groups gnomAD compares: Middle Eastern, 0.049%; no homozygotes.

Submissions (3):

Labcorp Genetics (formerly Invitae), Labcorp
Classification: Likely benign. Last evaluated: 2025-11-09. Review status: criteria provided, single submitter. Criteria: Invitae Variant Classification Sherloc (09022015). Collection method: clinical testing. Allele origin: germline.

Eurofins Ntd Llc (ga)
Classification: Uncertain significance. Last evaluated: 2018-04-12. Review status: criteria provided, single submitter. Criteria: EGL ClinVar v180209 classification definitions. Collection method: clinical testing. Allele origin: germline. Observed: 1 variant allele, 1 heterozygote.

PreventionGenetics, part of Exact Sciences
Classification: Likely benign for ABCC2-related condition. Last evaluated: 2019-05-28. Review status: no assertion criteria provided. Collection method: clinical testing. Allele origin: germline. Not counted in ClinVar's aggregate classification.
Comment: This variant is classified as likely benign based on ACMG/AMP sequence variant interpretation guidelines (Richards et al. 2015 PMID: 25741868, with internal and published modifications).